The following is an entry in ClinVar:

ClinVar aggregate classification (germline): Uncertain significance. Review status: criteria provided, multiple submitters, no conflicts (2 of 4 stars). 2 submissions from 2 submitters: Uncertain significance (2). Last evaluated 2025-06-08.

Conditions:
Hereditary cancer-predisposing syndrome. Also called: Tumor predisposition; Hereditary neoplastic syndrome; Neoplastic Syndromes, Hereditary; Hereditary Cancer Syndrome. Identifiers: Orphanet 140162, MedGen C0027672, MeSH D009386, MONDO:0015356.

gnomAD v4.1: 1 of 1,613,588 alleles (0.000062%); highest among the groups gnomAD compares: Non-Finnish European, 0.000085%; no homozygotes.

Submissions (2):

Ambry Genetics
Classification: Uncertain significance for Hereditary cancer-predisposing syndrome. Last evaluated: 2025-06-08. Review status: criteria provided, single submitter. Criteria: Ambry Variant Classification Scheme 2023. Collection method: clinical testing. Allele origin: germline.
Comment: The p.K578N variant (also known as c.1734G>C), located in coding exon 12 of the MSH3 gene, results from a G to C substitution at nucleotide position 1734. The lysine at codon 578 is replaced by asparagine, an amino acid with similar properties. This amino acid position is conserved. In addition, this alteration is predicted to be tolerated by in silico analysis. Based on the available evidence, the clinical significance of this variant remains unclear.

Labcorp Genetics (formerly Invitae), Labcorp
Classification: Uncertain significance. Last evaluated: 2020-11-12. Review status: criteria provided, single submitter. Criteria: Invitae Variant Classification Sherloc (09022015). Collection method: clinical testing. Allele origin: germline.
Comment: This sequence change replaces lysine with asparagine at codon 578 of the MSH3 protein (p.Lys578Asn). The lysine residue is moderately conserved and there is a moderate physicochemical difference between lysine and asparagine. This variant is not present in population databases (ExAC no frequency). This variant has not been reported in the literature in individuals with MSH3-related conditions. Algorithms developed to predict the effect of missense changes on protein structure and function (SIFT, PolyPhen-2, Align-GVGD) all suggest that this variant is likely to be tolerated, but these predictions have not been confirmed by published functional studies and their clinical significance is uncertain. In summary, the available evidence is currently insufficient to determine the role of this variant in disease. Therefore, it has been classified as a Variant of Uncertain Significance.

NM_002439.5(MSH3):c.1734G>C (p.Lys578Asn)

Gene: MSH3 (mutS homolog 3; plus strand). Cytogenetic location: 5q14.1.
Variant type: single nucleotide variant.
Coding change: c.1734G>C on transcript NM_002439.5 (MANE Select); coding-DNA position 1734, G replaced by C.
Protein change: p.Lys578Asn; replaces lysine 578 with asparagine.
Molecular consequence: missense variant.
Genome position (GRCh38, 1-based): chr5:80,744,586, G>C. VCF-style: chr5-80744586-G-C. GRCh37 (hg19) VCF-style: chr5-80040405-G-C.
Other names: c.1734G>C (NM_002439.3); short protein forms K578N.
Identifiers: ClinVar variation 1498876 (VCV001498876.9), dbSNP rs1580599441, ClinGen allele CA360274791.